The following is an entry in ClinVar:

ClinVar aggregate classification (germline): Uncertain significance (1 of 4 stars; one submission).

Allele frequency attached by ClinVar (database versions not stated): gnomAD exomes below 0.00001.
gnomAD v4.1: 4 of 1,605,198 alleles (0.00025%); highest among the groups gnomAD compares: Non-Finnish European, 0.00034%; no homozygotes.

Submission:

Labcorp Genetics (formerly Invitae), Labcorp
Classification: Uncertain significance. Last evaluated: 2021-08-24. Review status: criteria provided, single submitter. Criteria: Invitae Variant Classification Sherloc (09022015). Collection method: clinical testing. Allele origin: germline.
Comment: Experimental studies and prediction algorithms are not available or were not evaluated, and the functional significance of this variant is currently unknown. This sequence change creates a premature translational stop signal (p.Gly163*) in the SNX10 gene. While this is not anticipated to result in nonsense mediated decay, it is expected to disrupt the last 39 amino acid(s) of the SNX10 protein. This variant is not present in population databases (ExAC no frequency). This variant has not been reported in the literature in individuals affected with SNX10-related conditions. In summary, the available evidence is currently insufficient to determine the role of this variant in disease. Therefore, it has been classified as a Variant of Uncertain Significance.

NM_013322.3(SNX10):c.487G>T (p.Gly163Ter)

Gene: SNX10 (sorting nexin 10; plus strand). Cytogenetic location: 7p15.2.
Variant type: single nucleotide variant.
Coding change: c.487G>T on transcript NM_013322.3 (MANE Select); coding-DNA position 487, G replaced by T.
Protein change: p.Gly163Ter; replaces glycine 163 with a stop codon.
Molecular consequence: nonsense.
Genome position (GRCh38, 1-based): chr7:26,371,996, G>T. VCF-style: chr7-26371996-G-T. GRCh37 (hg19) VCF-style: chr7-26411616-G-T.
Other names: c.487G>T, p.Gly163Ter (NM_001199835.1, NM_001318199.3); c.478G>T, p.Gly160Ter (NM_001199837.3); c.235G>T, p.Gly79Ter (NM_001199838.2); c.565G>T, p.Gly189Ter (NM_001318198.1, NM_001362753.1, NM_001362754.1); short protein forms G163*, G160*, G189*, G79*.
Identifiers: ClinVar variation 1371139 (VCV001371139.6), dbSNP rs1362602464, ClinGen allele CA367228892.
Genomic context (GRCh38, chr7:26,371,996, plus strand): 5'-GAAGAAGCAATTCACAAGTTTGCCTTAATGAATAGACGTTTCCCTGAAGAAGATGAAGAA[G>T]GAAAAAAAGAAAATGATATAGATTATGATTCAGAAAGGTATTTCCTTGCATTTTGATTTA-3'